The following is an entry in ClinVar:

ClinVar aggregate classification (germline): Uncertain significance (1 of 4 stars; one submission).

gnomAD v4.1: 1 of 1,606,934 alleles (0.000062%); highest among the groups gnomAD compares: African/African-American, 0.0014%; no homozygotes.

Submission:

Quest Diagnostics Nichols Institute San Juan Capistrano
Classification: Uncertain significance. Last evaluated: 2024-02-16. Review status: criteria provided, single submitter. Criteria: Quest Diagnostics criteria. Collection method: clinical testing. Allele origin: unknown.
Comment: The HBA2 c.349G>C (p.Glu117Gln) variant (also known as Hb Oleander) has been described to have normal stability, oxygen affinity and cooperativity. Individuals who are heterozygous for this variant have a normal clinical presentation, but with low red blood cell indices and slightly dysmorphic erythrocytes (PMID: 6129203 (1982), HbVar). Based on the available information, we are unable to determine the clinical significance of this variant.

Literature cited by the submitters: PubMed 6129203.

NM_000517.6(HBA2):c.349G>C (p.Glu117Gln)

Genes: HBA2 (hemoglobin subunit alpha 2; plus strand), LOC106804612 (hemoglobin subunit alpha 2 recombination region; plus strand). Cytogenetic location: 16p13.3.
Variant type: single nucleotide variant.
Coding change: c.349G>C on transcript NM_000517.6 (MANE Select); coding-DNA position 349, G replaced by C.
Protein change: p.Glu117Gln; replaces glutamic acid 117 with glutamine.
Molecular consequence: missense variant.
Genome position (GRCh38, 1-based): chr16:173,520, G>C. VCF-style: chr16-173520-G-C. GRCh37 (hg19) VCF-style: chr16-223519-G-C.
Other names: short protein forms E117Q.
Identifiers: ClinVar variation 3572113 (VCV003572113.1).
Genomic context (GRCh38, chr16:173,520, plus strand): 5'-TTCTCTGCACAGCTCCTAAGCCACTGCCTGCTGGTGACCCTGGCCGCCCACCTCCCCGCC[G>C]AGTTCACCCCTGCGGTGCACGCCTCCCTGGACAAGTTCCTGGCTTCTGTGAGCACCGTGC-3'
Protein context (NP_000508.1, residues 107-127): LVTLAAHLPA[Glu117Gln]FTPAVHASLD